The following is an entry in ClinVar:

ClinVar aggregate classification (germline): Uncertain significance (1 of 4 stars; one submission).

Conditions:
Psoriasis 2. Identifiers: MedGen C1864497, MONDO:0011269, OMIM 602723.
Pityriasis rubra pilaris (PRP). Also called: Pityriasis rubra pilaris--familial type. Identifiers: Orphanet 2897, MedGen C0032027, MONDO:0100017, OMIM 173200, MONDO:0008251.

Submission:

Labcorp Genetics (formerly Invitae), Labcorp
Classification: Uncertain significance for Pityriasis rubra pilaris; Psoriasis 2. Last evaluated: 2025-02-27. Review status: criteria provided, single submitter. Criteria: Invitae Variant Classification Sherloc (09022015). Collection method: clinical testing. Allele origin: germline.
Comment: This sequence change creates a premature translational stop signal (p.Ala131Profs*9) in the CARD14 gene. It is expected to result in an absent or disrupted protein product. However, the current clinical and genetic evidence is not sufficient to establish whether loss-of-function variants in CARD14 cause disease. This variant is not present in population databases (gnomAD no frequency). This variant has not been reported in the literature in individuals affected with CARD14-related conditions. In summary, the available evidence is currently insufficient to determine the role of this variant in disease. Therefore, it has been classified as a Variant of Uncertain Significance.

NM_001366385.1(CARD14):c.391del (p.Ala131fs)

Gene: CARD14 (caspase recruitment domain family member 14; plus strand). Cytogenetic location: 17q25.3.
Variant type: Deletion.
Coding change: c.391del on transcript NM_001366385.1 (MANE Select); coding-DNA position 391, one base deleted (G; older notation c.391delG).
Protein change: p.Ala131fs; shifts the reading frame from alanine 131.
Molecular consequence: frameshift variant. On other transcripts: non-coding transcript variant (1).
Genome position (GRCh38, 1-based): chr17:80,183,954, G deleted; the last of 4 consecutive G bases (chr17:80,183,951-80,183,954); deleting any one gives the same sequence. VCF-style (leftmost placement, unchanged base first): chr17-80183950-TG-T. GRCh37 (hg19) VCF-style: chr17-78157749-TG-T.
Other names: c.391del, p.Ala131fs (NM_001257970.1, NM_024110.4); short protein forms A131fs.
Identifiers: ClinVar variation 4783302 (VCV004783302.1).
Genomic context (GRCh38, chr17:80,183,950, plus strand): 5'-CTCACCTGCCCATCTGCCCACAGGTCTCATGGAGACATCCAAGCTGACCGAGTGCCTGGC[TG>T]GGGCCATCGGCAGCCTGCAGGAGGAGCTGAACCAGGAAAAGGGGCAGAAGGAGGTGCTGC-3'